The following is an entry in ClinVar:

NM_020207.7(ERCC6L2):c.1061G>A (p.Arg354Gln)

Gene: ERCC6L2 (ERCC excision repair 6 like 2; plus strand). Cytogenetic location: 9q22.32.
Variant type: single nucleotide variant.
Coding change: c.1061G>A on transcript NM_020207.7 (MANE Select); coding-DNA position 1061, G replaced by A.
Protein change: p.Arg354Gln; replaces arginine 354 with glutamine.
Molecular consequence: missense variant. On other transcripts: non-coding transcript variant (1).
Genome position (GRCh38, 1-based): chr9:95,916,337, G>A. VCF-style: chr9-95916337-G-A. GRCh37 (hg19) VCF-style: chr9-98678619-G-A.
Other names: c.1061G>A, p.Arg354Gln (NM_001010895.4, NM_001375291.1, NM_001375292.1 and 2 more transcripts); short protein forms R354Q.
Identifiers: ClinVar variation 4250574 (VCV004250574.1).

ClinVar aggregate classification (germline): Uncertain significance (1 of 4 stars; one submission).

Conditions:
Inborn genetic diseases. Identifiers: MedGen C0950123, MeSH D030342.

gnomAD v4.1: 5 of 1,613,640 alleles (0.00031%); highest among the groups gnomAD compares: Admixed American, 0.0017%; no homozygotes.

Submission:

Ambry Genetics
Classification: Uncertain significance for Inborn genetic diseases. Last evaluated: 2025-07-10. Review status: criteria provided, single submitter. Criteria: Ambry Variant Classification Scheme 2023. Collection method: clinical testing. Allele origin: germline.
Comment: The p.R354Q variant (also known as c.1061G>A), located in coding exon 6 of the ERCC6L2 gene, results from a G to A substitution at nucleotide position 1061. The arginine at codon 354 is replaced by glutamine, an amino acid with highly similar properties. This amino acid position is conserved. In addition, this alteration is predicted to be deleterious by in silico analysis. Based on the available evidence, the clinical significance of this variant remains unclear.